The following is an entry in ClinVar:

NM_024079.5(ALG8):c.1411G>T (p.Glu471Ter)

Gene: ALG8 (ALG8 alpha-1,3-glucosyltransferase; minus strand). Cytogenetic location: 11q14.1.
Variant type: single nucleotide variant.
Coding change: c.1411G>T on transcript NM_024079.5 (MANE Select); coding-DNA position 1411, G replaced by T.
Protein change: p.Glu471Ter; replaces glutamic acid 471 with a stop codon.
Molecular consequence: nonsense. On other transcripts: 3 prime UTR variant (6), missense variant (2), non-coding transcript variant (2).
Genome position (GRCh38, 1-based): chr11:78,101,134, C>A on the plus strand (G>T on the coding strand, the complement: ALG8 is on the minus strand). VCF-style: chr11-78101134-C-A. GRCh37 (hg19) VCF-style: chr11-77812180-C-A.
Other names: c.*82G>T (NM_001007027.3, NM_001425236.1, NM_001425237.1 and 1 more transcripts); c.1414G>T, p.Glu472Ter (NM_001425219.1); c.1396G>T, p.Glu466Ter (NM_001425220.1); c.1336G>T, p.Glu446Ter (NM_001425221.1); c.1435G>T, p.Glu479Ter (NM_001425222.1); c.1405G>T, p.Glu469Ter (NM_001425223.1); c.1504G>T, p.Glu502Ter (NM_001425224.1); c.1459G>T, p.Glu487Ter (NM_001425225.1); and 15 more; short protein forms E286*, E299*, E307*, E343*, E362*, E383*, E384*, E404*.
Identifiers: ClinVar variation 4686376 (VCV004686376.1).

ClinVar aggregate classification (germline): Uncertain significance (1 of 4 stars; one submission).

Submission:

GeneDx
Classification: Uncertain significance. Last evaluated: 2025-07-16. Review status: criteria provided, single submitter. Criteria: GeneDx Variant Classification Process June 2021. Collection method: clinical testing. Allele origin: germline. Affected: yes.
Comment: Not observed at significant frequency in large population cohorts (gnomAD); Nonsense variant predicted to result in protein truncation as the last 56 amino acids are lost; Has not been previously published as pathogenic or benign to our knowledge